The following is an entry in ClinVar:

NM_000455.5(STK11):c.28G>A (p.Gly10Ser)

Gene: STK11 (serine/threonine kinase 11; plus strand). Cytogenetic location: 19p13.3.
Variant type: single nucleotide variant.
Coding change: c.28G>A on transcript NM_000455.5 (MANE Select); coding-DNA position 28, G replaced by A.
Protein change: p.Gly10Ser; replaces glycine 10 with serine.
Molecular consequence: missense variant.
Genome position (GRCh38, 1-based): chr19:1,206,941, G>A. VCF-style: chr19-1206941-G-A. GRCh37 (hg19) VCF-style: chr19-1206940-G-A.
Other names: c.28G>A, p.Gly10Ser (NM_001407255.1); short protein forms G10S.
Identifiers: ClinVar variation 1797429 (VCV001797429.2), dbSNP rs2145404498, ClinGen allele CA402943106.

ClinVar aggregate classification (germline): Uncertain significance (1 of 4 stars; one submission).

Conditions:
Hereditary cancer-predisposing syndrome. Also called: Neoplastic Syndromes, Hereditary; Tumor predisposition; Hereditary Cancer Syndrome; Hereditary neoplastic syndrome. Identifiers: Orphanet 140162, MedGen C0027672, MeSH D009386, MONDO:0015356.

Submission:

Ambry Genetics
Classification: Uncertain significance for Hereditary cancer-predisposing syndrome. Last evaluated: 2022-08-31. Review status: criteria provided, single submitter. Criteria: Ambry Variant Classification Scheme 2023. Collection method: clinical testing. Allele origin: germline.
Comment: The p.G10S variant (also known as c.28G>A), located in coding exon 1 of the STK11 gene, results from a G to A substitution at nucleotide position 28. The glycine at codon 10 is replaced by serine, an amino acid with similar properties. This amino acid position is not well conserved in available vertebrate species. In addition, this alteration is predicted to be tolerated by in silico analysis. Since supporting evidence is limited at this time, the clinical significance of this alteration remains unclear.